The following is an entry in ClinVar:

NM_004104.5(FASN):c.944C>G (p.Thr315Ser)

Gene: FASN (fatty acid synthase; minus strand). Cytogenetic location: 17q25.3.
Variant type: single nucleotide variant.
Coding change: c.944C>G on transcript NM_004104.5 (MANE Select); coding-DNA position 944, C replaced by G.
Protein change: p.Thr315Ser; replaces threonine 315 with serine.
Molecular consequence: missense variant.
Genome position (GRCh38, 1-based): chr17:82,092,540, G>C on the plus strand (C>G on the coding strand, the complement: FASN is on the minus strand). VCF-style: chr17-82092540-G-C. GRCh37 (hg19) VCF-style: chr17-80050416-G-C.
Other names: short protein forms T315S.
Identifiers: ClinVar variation 1008237 (VCV001008237.8), dbSNP rs1218333942, ClinGen allele CA401562016.

ClinVar aggregate classification (germline): Uncertain significance (1 of 4 stars; one submission).

Conditions:
Epileptic encephalopathy. Identifiers: MedGen C0543888, HP:0200134.

Allele frequency attached by ClinVar (database versions not stated): gnomAD exomes below 0.00001.
gnomAD v4.1: 3 of 1,606,464 alleles (0.00019%); highest among the groups gnomAD compares: South Asian, 0.0033%; no homozygotes.

Submission:

Labcorp Genetics (formerly Invitae), Labcorp
Classification: Uncertain significance for Epileptic encephalopathy. Last evaluated: 2020-12-13. Review status: criteria provided, single submitter. Criteria: Invitae Variant Classification Sherloc (09022015). Collection method: clinical testing. Allele origin: germline.
Comment: This sequence change replaces threonine with serine at codon 315 of the FASN protein (p.Thr315Ser). The threonine residue is weakly conserved and there is a small physicochemical difference between threonine and serine. This variant is not present in population databases (ExAC no frequency). This variant has not been reported in the literature in individuals with FASN-related conditions. Algorithms developed to predict the effect of missense changes on protein structure and function output the following: SIFT: "Tolerated"; PolyPhen-2: "Benign"; Align-GVGD: "Class C0". The serine amino acid residue is found in multiple mammalian species, suggesting that this missense change does not adversely affect protein function. These predictions have not been confirmed by published functional studies and their clinical significance is uncertain. Algorithms developed to predict the effect of sequence changes on RNA splicing suggest that this variant may create or strengthen a splice site, but this prediction has not been confirmed by published transcriptional studies. In summary, the available evidence is currently insufficient to determine the role of this variant in disease. Therefore, it has been classified as a Variant of Uncertain Significance.